The following is an entry in ClinVar:

NM_002299.4(LCT):c.5516G>A (p.Gly1839Asp)

Gene: LCT (lactase; minus strand). Cytogenetic location: 2q21.3.
Variant type: single nucleotide variant.
Coding change: c.5516G>A on transcript NM_002299.4 (MANE Select); coding-DNA position 5516, G replaced by A.
Protein change: p.Gly1839Asp; replaces glycine 1839 with aspartic acid.
Molecular consequence: missense variant.
Genome position (GRCh38, 1-based): chr2:135,789,618, C>T on the plus strand (G>A on the coding strand, the complement: LCT is on the minus strand). VCF-style: chr2-135789618-C-T. GRCh37 (hg19) VCF-style: chr2-136547188-C-T.
Other names: short protein forms G1839D.
Identifiers: ClinVar variation 2662435 (VCV002662435.1), dbSNP rs750409138, ClinGen allele CA1887604.

ClinVar aggregate classification (germline): Uncertain significance (1 of 4 stars; one submission).

Allele frequency attached by ClinVar (database versions not stated): TOPMed below 0.00001; gnomAD exomes 0.00001; ExAC 0.00002; gnomAD 0.00002.
gnomAD v4.1: 9 of 1,613,992 alleles (0.00056%); highest among the groups gnomAD compares: South Asian, 0.0011%; no homozygotes.

Submission:

GeneDx
Classification: Uncertain significance. Last evaluated: 2023-04-04. Review status: criteria provided, single submitter. Criteria: GeneDx Variant Classification Process June 2021. Collection method: clinical testing. Allele origin: germline. Affected: yes.
Comment: In silico analysis supports that this missense variant has a deleterious effect on protein structure/function; Has not been previously published as pathogenic or benign to our knowledge